The following is an entry in ClinVar:

NM_006231.4(POLE):c.5898G>A (p.Glu1966=)

Gene: POLE (DNA polymerase epsilon, catalytic subunit; minus strand). Cytogenetic location: 12q24.33.
Variant type: single nucleotide variant.
Coding change: c.5898G>A on transcript NM_006231.4 (MANE Select); coding-DNA position 5898, G replaced by A.
Protein change: p.Glu1966=; no amino-acid change (glutamic acid 1966 retained).
Molecular consequence: synonymous variant.
Genome position (GRCh38, 1-based): chr12:132,634,292, C>T on the plus strand (G>A on the coding strand, the complement: POLE is on the minus strand). VCF-style: chr12-132634292-C-T. GRCh37 (hg19) VCF-style: chr12-133210878-C-T.
Identifiers: ClinVar variation 413512 (VCV000413512.18), dbSNP rs372044043, ClinGen allele CA6892344.
Genomic context (GRCh38, chr12:132,634,292, plus strand): 5'-CAAAAACTGCAAAATGTTCCAGTTGTTTTCCAGTAAATCCTCCACGTTGGATTCCTCCGC[C>T]TCTTCCTCCTCCTCCCCATCTCTTTCCTCCTCATCGTCCTCATTTTCCTGCTCATCCTCT-3'
Protein context (NP_006222.2, residues 1956-1976): EEERDGEEEE[Glu1966=]AEESNVEDLL

ClinVar aggregate classification (germline): Likely benign. Review status: criteria provided, multiple submitters, no conflicts (2 of 4 stars). 5 submissions from 5 submitters: Likely benign (4). 1 of the submissions does not count toward it. Last evaluated 2026-01-05.

Conditions:
POLE-related disorder. Also called: POLE-related disorders; POLE-related condition.
Hereditary cancer-predisposing syndrome. Also called: Neoplastic Syndromes, Hereditary; Tumor predisposition; Hereditary Cancer Syndrome; Hereditary neoplastic syndrome. Identifiers: Orphanet 140162, MedGen C0027672, MeSH D009386, MONDO:0015356.

Allele frequency attached by ClinVar (database versions not stated): gnomAD exomes 0.00001 and 0.00004; ExAC 0.00002; ESP Exome Variant Server 0.00008; gnomAD 0.00011; TOPMed 0.00016.
gnomAD v4.1: 31 of 1,614,206 alleles (0.0019%); highest among the groups gnomAD compares: African/African-American, 0.032%; no homozygotes.

Submissions (5):

Labcorp Genetics (formerly Invitae), Labcorp
Classification: Likely benign. Last evaluated: 2026-01-05. Review status: criteria provided, single submitter. Criteria: Invitae Variant Classification Sherloc (09022015). Collection method: clinical testing. Allele origin: germline.

Blueprint Genetics
Classification: Likely benign. Last evaluated: 2022-04-27. Review status: criteria provided, single submitter. Criteria: ACMG Guidelines, 2015. Collection method: clinical testing. Allele origin: germline.

GeneDx
Classification: Likely benign. Last evaluated: 2018-02-13. Review status: criteria provided, single submitter. Criteria: GeneDx Variant Classification (06012015). Collection method: clinical testing. Allele origin: germline. Affected: yes.
Comment: This variant is considered likely benign or benign based on one or more of the following criteria: it is a conservative change, it occurs at a poorly conserved position in the protein, it is predicted to be benign by multiple in silico algorithms, and/or has population frequency not consistent with disease.

Ambry Genetics
Classification: Likely benign for Hereditary cancer-predisposing syndrome. Last evaluated: 2017-01-16. Review status: criteria provided, single submitter. Criteria: Ambry Variant Classification Scheme 2023. Collection method: clinical testing. Allele origin: germline.

PreventionGenetics, part of Exact Sciences
Classification: Likely benign for POLE-related condition. Last evaluated: 2024-03-08. Review status: no assertion criteria provided. Collection method: clinical testing. Allele origin: germline. Not counted in ClinVar's aggregate classification.
Comment: This variant is classified as likely benign based on ACMG/AMP sequence variant interpretation guidelines (Richards et al. 2015 PMID: 25741868, with internal and published modifications).